The following is an entry in ClinVar:

NM_152564.5(VPS13B):c.7040A>T (p.Asp2347Val)

Gene: VPS13B (vacuolar protein sorting 13 homolog B; plus strand). Cytogenetic location: 8q22.2.
Variant type: single nucleotide variant.
Coding change: c.7040A>T on transcript NM_152564.5 (MANE Select); coding-DNA position 7040, A replaced by T.
Protein change: p.Asp2347Val; replaces aspartic acid 2347 with valine.
Molecular consequence: missense variant.
Genome position (GRCh38, 1-based): chr8:99,721,037, A>T. VCF-style: chr8-99721037-A-T. GRCh37 (hg19) VCF-style: chr8-100733265-A-T.
Other names: c.7115A>T, p.Asp2372Val (NM_017890.5); short protein forms D2372V, D2347V.
Identifiers: ClinVar variation 1495575 (VCV001495575.6), dbSNP rs1563881705, ClinGen allele CA371868680.
Genomic context (GRCh38, chr8:99,721,037, plus strand): 5'-TAACTCCTGTACCTTTTAACACCACAGAGGATCCAGATATTAGCACAGCAGACCTTGGTG[A>T]TGTGCTACAGGTATGTAATGACCATTCATTGTAAAATGAAAACATTGTGGGAAAGGGCTG-3'
Protein context (NP_689777.3, residues 2337-2357): DPDISTADLG[Asp2347Val]VLQVPCSLEY

ClinVar aggregate classification (germline): Uncertain significance (1 of 4 stars; one submission).

Conditions:
Cohen syndrome (COH1). Also called: Cutis verticis gyrata, retinitis pigmentosa, and sensorineural deafness; PEPPER SYNDROME. Identifiers: Orphanet 193, MedGen C0265223, MONDO:0008999, OMIM 216550.

Submission:

Labcorp Genetics (formerly Invitae), Labcorp
Classification: Uncertain significance for Cohen syndrome. Last evaluated: 2020-12-21. Review status: criteria provided, single submitter. Criteria: Invitae Variant Classification Sherloc (09022015). Collection method: clinical testing. Allele origin: germline.
Comment: This variant has not been reported in the literature in individuals with VPS13B-related conditions. This variant is not present in population databases (ExAC no frequency). This sequence change replaces aspartic acid with valine at codon 2372 of the VPS13B protein (p.Asp2372Val). The aspartic acid residue is moderately conserved and there is a large physicochemical difference between aspartic acid and valine. Algorithms developed to predict the effect of missense changes on protein structure and function are either unavailable or do not agree on the potential impact of this missense change (SIFT: "Not Available"; PolyPhen-2: "Probably Damaging"; Align-GVGD: "Not Available"). In summary, the available evidence is currently insufficient to determine the role of this variant in disease. Therefore, it has been classified as a Variant of Uncertain Significance.